The following is an entry in ClinVar:

NM_021930.6(RINT1):c.508G>C (p.Glu170Gln)

Gene: RINT1 (RAD50 interactor 1; plus strand). Cytogenetic location: 7q22.3.
Variant type: single nucleotide variant.
Coding change: c.508G>C on transcript NM_021930.6 (MANE Select); coding-DNA position 508, G replaced by C.
Protein change: p.Glu170Gln; replaces glutamic acid 170 with glutamine.
Molecular consequence: missense variant. On other transcripts: 5 prime UTR variant (3), non-coding transcript variant (1).
Genome position (GRCh38, 1-based): chr7:105,542,642, G>C. VCF-style: chr7-105542642-G-C. GRCh37 (hg19) VCF-style: chr7-105183089-G-C.
Other names: c.274G>C, p.Glu92Gln (NM_001346599.2); c.-512G>C (NM_001346600.2); c.-415G>C (NM_001346601.2); c.-35G>C (NM_001346603.2); short protein forms E92Q, E170Q.
Identifiers: ClinVar variation 3945988 (VCV003945988.1).
Genomic context (GRCh38, chr7:105,542,642, plus strand): 5'-AGCCAGATTGAAGAGATCGAACGTCATCTTGCTTACCTTAAATGGATTTCACAAATTGAA[G>C]AACTAAGGTAAAATGGGCCTCTTTGTTCTCACAATTACTATTTTCCTTTGAGGCTTCTGT-3'
Protein context (NP_068749.3, residues 160-180): AYLKWISQIE[Glu170Gln]LSDNIQQYLM

ClinVar aggregate classification (germline): Uncertain significance (1 of 4 stars; one submission).

gnomAD v4.1: 2 of 1,612,598 alleles (0.00012%); highest among the groups gnomAD compares: Non-Finnish European, 0.00017%; no homozygotes.

Submission:

Ambry Genetics
Classification: Uncertain significance. Last evaluated: 2025-05-02. Review status: criteria provided, single submitter. Criteria: Ambry Variant Classification Scheme 2023. Collection method: clinical testing. Allele origin: germline.
Comment: The p.E170Q variant (also known as c.508G>C), located in coding exon 4 of the RINT1 gene, results from a G to C substitution at nucleotide position 508. The glutamic acid at codon 170 is replaced by glutamine, an amino acid with highly similar properties. This amino acid position is conserved. In addition, this alteration is predicted to be tolerated by in silico analysis. Based on the available evidence, the clinical significance of this variant remains unclear.